The following is an entry in ClinVar:

NM_058216.3(RAD51C):c.34C>G (p.Arg12Gly)

Gene: RAD51C (RAD51 paralog C; plus strand). Cytogenetic location: 17q22.
Variant type: single nucleotide variant.
Coding change: c.34C>G on transcript NM_058216.3 (MANE Select); coding-DNA position 34, C replaced by G.
Protein change: p.Arg12Gly; replaces arginine 12 with glycine.
Molecular consequence: missense variant. On other transcripts: non-coding transcript variant (2).
Genome position (GRCh38, 1-based): chr17:58,692,677, C>G. VCF-style: chr17-58692677-C-G. GRCh37 (hg19) VCF-style: chr17-56770038-C-G.
Other names: c.34C>G, p.Arg12Gly (NM_002876.4); short protein forms R12G.
Identifiers: ClinVar variation 649253 (VCV000649253.15), dbSNP rs28910276, ClinGen allele CA400336434.

ClinVar aggregate classification (germline): Conflicting classifications of pathogenicity. Review status: criteria provided, conflicting classifications (1 of 4 stars). 4 submissions from 4 submitters: Uncertain significance (3); Likely benign (1). Last evaluated 2025-10-24.

Conditions:
Fanconi anemia complementation group O. Also called: RAD51C-Related Fanconi Anemia. Identifiers: Orphanet 84, MedGen C3150653, MONDO:0013248, OMIM 613390.
Hereditary cancer-predisposing syndrome. Also called: Hereditary Cancer Syndrome; Tumor predisposition; Neoplastic Syndromes, Hereditary; Hereditary neoplastic syndrome. Identifiers: Orphanet 140162, MedGen C0027672, MeSH D009386, MONDO:0015356.
Breast-ovarian cancer, familial, susceptibility to, 3. Also called: RAD51C-Related Breast/Ovarian Cancer. Identifiers: Orphanet 145, MedGen C3150659, MONDO:0013253, OMIM 613399.

gnomAD v4.1: 2 of 1,614,220 alleles (0.00012%); highest among the groups gnomAD compares: Non-Finnish European, 0.00017%; no homozygotes.

Submissions (4):

Ambry Genetics
Classification: Likely benign for Hereditary cancer-predisposing syndrome. Last evaluated: 2025-10-24. Review status: criteria provided, single submitter. Criteria: Ambry Variant Classification Scheme 2023. Collection method: clinical testing. Allele origin: germline.

Labcorp Genetics (formerly Invitae), Labcorp
Classification: Uncertain significance for Fanconi anemia complementation group O. Last evaluated: 2025-10-15. Review status: criteria provided, single submitter. Criteria: Invitae Variant Classification Sherloc (09022015). Collection method: clinical testing. Allele origin: germline.
Comment: This sequence change replaces arginine, which is basic and polar, with glycine, which is neutral and non-polar, at codon 12 of the RAD51C protein (p.Arg12Gly). This variant is present in population databases (no rsID available, gnomAD 0.0009%). This missense change has been observed in individual(s) with pancreatic cancer (PMID: 35171259). ClinVar contains an entry for this variant (Variation ID: 649253). An algorithm developed to predict the effect of missense changes on protein structure and function (PolyPhen-2) suggests that this variant is likely to be disruptive. Experimental studies have shown that this missense change does not substantially affect RAD51C function (PMID: 37253112). In summary, the available evidence is currently insufficient to determine the role of this variant in disease. Therefore, it has been classified as a Variant of Uncertain Significance.

Color Diagnostics, LLC DBA Color Health
Classification: Uncertain significance for Hereditary cancer-predisposing syndrome. Last evaluated: 2024-09-23. Review status: criteria provided, single submitter. Criteria: ACMG Guidelines, 2015. Collection method: clinical testing. Allele origin: germline.
Comment: This missense variant replaces arginine with glycine at codon 12 of the RAD51C protein. Computational prediction suggests that this variant may not impact protein structure and function. To our knowledge, functional studies have not been reported for this variant. This variant has not been reported in individuals affected with RAD51C-related disorders in the literature. This variant has been identified in 1/251456 chromosomes in the general population by the Genome Aggregation Database (gnomAD). The available evidence is insufficient to determine the role of this variant in disease conclusively. Therefore, this variant is classified as a Variant of Uncertain Significance.

Baylor Genetics
Classification: Uncertain significance for Breast-ovarian cancer, familial, susceptibility to, 3. Last evaluated: 2023-12-28. Review status: criteria provided, single submitter. Criteria: ACMG Guidelines, 2015. Collection method: clinical testing. Allele origin: unknown.

Literature cited by the submitters: PubMed 35171259 (cited by Ambry Genetics and Labcorp Genetics (formerly Invitae), Labcorp); PubMed 37253112 (cited by Ambry Genetics and Labcorp Genetics (formerly Invitae), Labcorp).